The following is an entry in ClinVar:

ClinVar aggregate classification (germline): Uncertain significance (1 of 4 stars; one submission).

Conditions:
Inborn genetic diseases. Identifiers: MedGen C0950123, MeSH D030342.

Submission:

Ambry Genetics
Classification: Uncertain significance for Inborn genetic diseases. Last evaluated: 2025-06-06. Review status: criteria provided, single submitter. Criteria: Ambry Variant Classification Scheme 2023. Collection method: clinical testing. Allele origin: germline.
Comment: The p.K559E variant (also known as c.1675A>G), located in coding exon 12 of the ASXL1 gene, results from an A to G substitution at nucleotide position 1675. The lysine at codon 559 is replaced by glutamic acid, an amino acid with similar properties. This amino acid position is conserved. In addition, the in silico prediction for this alteration is inconclusive. Based on the available evidence, the clinical significance of this variant remains unclear.

NM_015338.6(ASXL1):c.1675A>G (p.Lys559Glu)

Gene: ASXL1 (ASXL transcriptional regulator 1; plus strand). Cytogenetic location: 20q11.21.
Variant type: single nucleotide variant.
Coding change: c.1675A>G on transcript NM_015338.6 (MANE Select); coding-DNA position 1675, A replaced by G.
Protein change: p.Lys559Glu; replaces lysine 559 with glutamic acid.
Molecular consequence: missense variant.
Genome position (GRCh38, 1-based): chr20:32,433,873, A>G. VCF-style: chr20-32433873-A-G. GRCh37 (hg19) VCF-style: chr20-31021676-A-G.
Other names: c.1492A>G, p.Lys498Glu (NM_001363734.1); short protein forms K498E, K559E.
Identifiers: ClinVar variation 3957676 (VCV003957676.1).